The following is an entry in ClinVar:

ClinVar aggregate classification (germline): Pathogenic/Likely pathogenic. Review status: criteria provided, multiple submitters, no conflicts (2 of 4 stars). 6 submissions from 6 submitters: Pathogenic (3); Likely pathogenic (1). 2 of the submissions do not count toward it. Last evaluated 2024-10-14.

Conditions:
Retinitis pigmentosa (RP). Identifiers: Orphanet 791, MedGen C0035334, MeSH D012174, MONDO:0019200, OMIM 268000. Inheritance: Autosomal dominant, autosomal recessive and X linked inheritance.
EYS-related disorder. Also called: EYS-related condition.
Retinitis pigmentosa 25 (RP25). Identifiers: Orphanet 791, MedGen C1864446, MONDO:0011272, OMIM 602772.

Allele frequency attached by ClinVar (database versions not stated): gnomAD exomes below 0.00001 and 0.00001; TOPMed below 0.00001.

Submissions (6):

Blueprint Genetics
Classification: Pathogenic for EYS-related disorders. Last evaluated: 2024-10-14. Review status: criteria provided, single submitter. Criteria: ACMG Guidelines, 2015. Collection method: clinical testing. Allele origin: germline. Affected: yes. Observed: 5 variant alleles.

Labcorp Genetics (formerly Invitae), Labcorp
Classification: Pathogenic. Last evaluated: 2024-03-03. Review status: criteria provided, single submitter. Criteria: Invitae Variant Classification Sherloc (09022015). Collection method: clinical testing. Allele origin: germline.
Comment: This sequence change creates a premature translational stop signal (p.Gln2723Argfs*18) in the EYS gene. While this is not anticipated to result in nonsense mediated decay, it is expected to disrupt the last 422 amino acid(s) of the EYS protein. This variant is present in population databases (no rsID available, gnomAD 0.004%). This variant has not been reported in the literature in individuals affected with EYS-related conditions. ClinVar contains an entry for this variant (Variation ID: 558485). This variant disrupts a region of the EYS protein in which other variant(s) (p.Tyr3135*) have been determined to be pathogenic (PMID: 18976725, 30337596). This suggests that this is a clinically significant region of the protein, and that variants that disrupt it are likely to be disease-causing. For these reasons, this variant has been classified as Pathogenic.

Fulgent Genetics
Classification: Likely pathogenic for Retinitis pigmentosa 25. Last evaluated: 2024-01-23. Review status: criteria provided, single submitter. Criteria: ACMG Guidelines, 2015. Collection method: clinical testing. Allele origin: germline.

Baylor Genetics
Classification: Pathogenic for Retinitis pigmentosa 25. Last evaluated: 2023-08-29. Review status: criteria provided, single submitter. Criteria: ACMG Guidelines, 2015. Collection method: clinical testing. Allele origin: unknown.

Sharon lab, Hadassah-Hebrew University Medical Center
Classification: Pathogenic for Retinitis pigmentosa. Last evaluated: 2019-06-23. Review status: no assertion criteria provided. Collection method: research. Allele origin: inherited. Affected: yes. Not counted in ClinVar's aggregate classification.

Counsyl
Classification: Likely pathogenic for Retinitis pigmentosa 25. Last evaluated: 2018-05-23. Review status: no assertion criteria provided. Collection method: clinical testing. Allele origin: unknown. Not counted in ClinVar's aggregate classification.

Literature cited by the submitters: PubMed 18976725 (cited by Labcorp Genetics (formerly Invitae), Labcorp); PubMed 30337596 (cited by Labcorp Genetics (formerly Invitae), Labcorp).

NM_001142800.2(EYS):c.8168del (p.Gln2723fs)

Gene: EYS (EGF-like photoreceptor maintenance factor; minus strand). Cytogenetic location: 6q12.
Variant type: Deletion.
Coding change: c.8168del on transcript NM_001142800.2 (MANE Select); coding-DNA position 8168, one base deleted (A; older notation c.8168delA).
Protein change: p.Gln2723fs; shifts the reading frame from glutamine 2723.
Molecular consequence: frameshift variant.
Genome position (GRCh38, 1-based): chr6:63,726,584, T deleted on the plus strand (A on the coding strand, the reverse complement: EYS is on the minus strand). VCF-style (leftmost placement, unchanged base first): chr6-63726583-CT-C. GRCh37 (hg19) VCF-style: chr6-64436476-CT-C.
Other names: c.8231del, p.Gln2744fs (NM_001292009.2); short protein forms Q2744fs, Q2723fs.
Identifiers: ClinVar variation 558485 (VCV000558485.14), dbSNP rs1168101857, ClinGen allele CA567700203.
Genomic context (GRCh38, chr6:63,726,583, plus strand): 5'-TTGGGCTTTTAAGTGTTGTGCAGCATAAAATAGGATACCATCTGCAGCGAGAGGCTGAAA[CT>C]GCAATTGAATATGTGTCTTTTTTCGAACATGAAAGGAAGCAAAAGACATCCAGGATAACT-3'